The following is an entry in ClinVar:

NM_018136.5(ASPM):c.2307A>G (p.Ala769=)

Gene: ASPM (assembly factor for spindle microtubules; minus strand). Cytogenetic location: 1q31.3.
Variant type: single nucleotide variant.
Coding change: c.2307A>G on transcript NM_018136.5 (MANE Select); coding-DNA position 2307, A replaced by G.
Protein change: p.Ala769=; no amino-acid change (alanine 769 retained).
Molecular consequence: synonymous variant.
Genome position (GRCh38, 1-based): chr1:197,133,462, T>C on the plus strand (A>G on the coding strand, the complement: ASPM is on the minus strand). VCF-style: chr1-197133462-T-C. GRCh37 (hg19) VCF-style: chr1-197102592-T-C.
Other names: c.2307A>G, p.Ala769= (NM_001206846.2).
Identifiers: ClinVar variation 157794 (VCV000157794.21), dbSNP rs35897746, ClinGen allele CA171187.
Genomic context (GRCh38, chr1:197,133,462, plus strand): 5'-AATTTCAATTTCAAGCTTTTTAATAGCTTTAACCATTTTTTCAGAAGTAAACAAACGGCA[T>C]GCTGCACGACGTAGTCTGTTTAACCTACACCGAGCAGTATAAGCTCTGAGAGACATTTCC-3'
Protein context (NP_060606.3, residues 759-779): RCRLNRLRRA[Ala769=]CRLFTSEKMV

ClinVar aggregate classification (germline): Benign. Review status: criteria provided, multiple submitters, no conflicts (2 of 4 stars). 7 submissions from 7 submitters: Benign (7). Last evaluated 2026-01-22.

Conditions:
Microcephaly 5, primary, autosomal recessive (MCPH5). Also called: ASPM Primary Microcephaly. Identifiers: Orphanet 2512, MedGen C1837501, MONDO:0012106, OMIM 608716.

Allele frequency attached by ClinVar (database versions not stated): 1000 Genomes Project 30x 0.01312; gnomAD 0.01355 and 0.01457; TOPMed 0.01441; ESP Exome Variant Server 0.01507; gnomAD exomes 0.00138 and 0.00364; ExAC 0.00453; 1000 Genomes Project 0.01158.
gnomAD v4.1: 4,201 of 1,614,116 alleles (0.26%); highest among the groups gnomAD compares: African/African-American, 4.6%; 88 homozygotes.

Submissions (7):

Labcorp Genetics (formerly Invitae), Labcorp
Classification: Benign. Last evaluated: 2026-01-22. Review status: criteria provided, single submitter. Criteria: Invitae Variant Classification Sherloc (09022015). Collection method: clinical testing. Allele origin: germline.

Genome-Nilou Lab
Classification: Benign for Microcephaly 5, primary, autosomal recessive. Last evaluated: 2023-04-11. Review status: criteria provided, single submitter. Criteria: ACMG Guidelines, 2015. Collection method: clinical testing. Allele origin: germline. Affected: no.

Athena Diagnostics
Classification: Benign. Last evaluated: 2019-07-08. Review status: criteria provided, single submitter. Criteria: Athena Diagnostics Criteria. Collection method: clinical testing. Allele origin: germline.

Illumina Laboratory Services, Illumina
Classification: Benign for Microcephaly 5, primary, autosomal recessive. Last evaluated: 2018-01-12. Review status: criteria provided, single submitter. Criteria: ICSL Variant Classification Criteria 13 December 2019. Collection method: clinical testing. Allele origin: germline.
Comment: This variant was observed in the ICSL laboratory as part of a predisposition screen in an ostensibly healthy population. It had not been previously curated by ICSL or reported in the Human Gene Mutation Database (HGMD: prior to June 1st, 2018), and was therefore a candidate for classification through an automated scoring system. Utilizing variant allele frequency, disease prevalence and penetrance estimates, and inheritance mode, an automated score was calculated to assess if this variant is too frequent to cause the disease. Based on the score and internal cut-off values, a variant classified as benign is not then subjected to further curation. The score for this variant resulted in a classification of benign for this disease.

GeneDx
Classification: Benign. Last evaluated: 2015-09-18. Review status: criteria provided, single submitter. Criteria: GeneDx Variant Classification (06012015). Collection method: clinical testing. Allele origin: germline. Affected: yes.
Comment: This variant is considered likely benign or benign based on one or more of the following criteria: it is a conservative change, it occurs at a poorly conserved position in the protein, it is predicted to be benign by multiple in silico algorithms, and/or has population frequency not consistent with disease.

Genetic Services Laboratory, University of Chicago
Classification: Benign. Last evaluated: 2013-02-08. Review status: criteria provided, single submitter. Criteria: ACMG Guidelines, 2007. Collection method: clinical testing. Allele origin: germline. Inheritance: Autosomal recessive inheritance.

Breakthrough Genomics
Classification: Benign. Review status: criteria provided, single submitter. Criteria: ACMG Guidelines, 2015. Collection method: not provided. Allele origin: germline. Inheritance: Autosomal recessive inheritance. Affected: yes.